The following is an entry in ClinVar:

NM_001039.4(SCNN1G):c.*1147A>G

Gene: SCNN1G (sodium channel epithelial 1 subunit gamma; plus strand). Cytogenetic location: 16p12.2.
Variant type: single nucleotide variant.
Coding change: c.*1147A>G on transcript NM_001039.4 (MANE Select); 1147 bases downstream of the stop codon, A replaced by G.
Molecular consequence: 3 prime UTR variant.
Genome position (GRCh38, 1-based): chr16:23,216,616, A>G. VCF-style: chr16-23216616-A-G. GRCh37 (hg19) VCF-style: chr16-23227937-A-G.
Identifiers: ClinVar variation 318377 (VCV000318377.5), dbSNP rs80081880, ClinGen allele CA10648102.

ClinVar aggregate classification (germline): Conflicting classifications of pathogenicity. Review status: criteria provided, conflicting classifications (1 of 4 stars). 2 submissions from 1 submitter: Uncertain significance (1); Benign (1). Last evaluated 2018-01-13.

Conditions:
Liddle syndrome 2. Identifiers: MedGen C4748251, MONDO:0020854, OMIM 618114.
Pseudohypoaldosteronism, type IB1, autosomal recessive. Also called: Pseudohypoaldosteronism, Type I, Autosomal Recessive; PHA I, AUTOSOMAL RECESSIVE; Pseudohypoaldosteronism, Type I, Recessive; Autosomal recessive pseudohypoaldosteronism type 1. Identifiers: Orphanet 171876, Orphanet 756, MedGen C5774176, MONDO:0009917, OMIM 264350.

Allele frequency attached by ClinVar (database versions not stated): TOPMed 0.00006; gnomAD 0.00009 and 0.00022; 1000 Genomes Project 30x 0.00094; 1000 Genomes Project 0.00100.

Submissions (2):

Illumina Laboratory Services, Illumina
Classification: Uncertain significance for Pseudohypoaldosteronism, type IB1, autosomal recessive. Last evaluated: 2018-01-13. Review status: criteria provided, single submitter. Criteria: ICSL Variant Classification Criteria 13 December 2019. Collection method: clinical testing. Allele origin: germline.

Illumina Laboratory Services, Illumina
Classification: Benign for Liddle syndrome 2. Last evaluated: 2018-01-13. Review status: criteria provided, single submitter. Criteria: ICSL Variant Classification Criteria 13 December 2019. Collection method: clinical testing. Allele origin: germline.
Comment: This variant was observed in the ICSL laboratory as part of a predisposition screen in an ostensibly healthy population. It had not been previously curated by ICSL or reported in the Human Gene Mutation Database (HGMD: prior to June 1st, 2018), and was therefore a candidate for classification through an automated scoring system. Utilizing variant allele frequency, disease prevalence and penetrance estimates, and inheritance mode, an automated score was calculated to assess if this variant is too frequent to cause the disease. Based on the score and internal cut-off values, a variant classified as benign is not then subjected to further curation. The score for this variant resulted in a classification of benign for this disease.